The following is an entry in ClinVar:

ClinVar aggregate classification (germline): Uncertain significance. Review status: criteria provided, multiple submitters, no conflicts (2 of 4 stars). 6 submissions from 4 submitters: Uncertain significance (6). Last evaluated 2024-03-06.

Conditions:
Central core myopathy (CMYO1A). Also called: Central core disease; Myopathy, central fibrillar; CONGENITAL MYOPATHY 1A, AUTOSOMAL DOMINANT, WITH SUSCEPTIBILITY TO MALIGNANT HYPERTHERMIA. Identifiers: Orphanet 597, MedGen C5830701, MONDO:0007294, OMIM 117000.
Malignant hyperthermia, susceptibility to, 1 (MHS1). Also called: Anesthesia related hyperthermia; Malignant hyperpyrexia; Fulminating hyperpyrexia; Pharmacogenic myopathy; RYR1-Related Malignant Hyperthermia Susceptibility; Malignant hyperthermia suceptibility 1. Identifiers: Orphanet 423, MedGen C2930980, MONDO:0007783, OMIM 145600.
Congenital multicore myopathy with external ophthalmoplegia (CMYO1B). Also called: MULTICORE MYOPATHY; Minicore myopathy with external ophthalmoplegia; Congenital myopathy 1B, autosomal recessive; Minicore myopathy; MULTIMINICORE DISEASE WITH EXTERNAL OPHTHALMOPLEGIA. Identifiers: Orphanet 598, Orphanet 98905, MedGen C1850674, MONDO:0009712, OMIM 255320, HP:0003789.
Congenital myopathy with fiber type disproportion. Also called: Congenital fiber-type disproportion; Congenital fiber-type disproportion myopathy. Identifiers: Orphanet 2020, MedGen C0546264, MONDO:0009711. Inheritance: all.
King Denborough syndrome (KDS). Identifiers: MedGen C1840365, MONDO:0020485, OMIM 619542.

Allele frequency attached by ClinVar (database versions not stated): gnomAD exomes below 0.00001; TOPMed 0.00001.
gnomAD v4.1: 17 of 1,601,730 alleles (0.0011%); highest among the groups gnomAD compares: Non-Finnish European, 0.0014%; no homozygotes.

Submissions (6):

Color Diagnostics, LLC DBA Color Health
Classification: Uncertain significance for Malignant hyperthermia, susceptibility to, 1. Last evaluated: 2024-03-06. Review status: criteria provided, single submitter. Criteria: ACMG Guidelines, 2015. Collection method: clinical testing. Allele origin: germline.
Comment: This missense variant replaces lysine with asparagine at codon 1394 of the RYR1 protein. Computational prediction suggests that this variant may not impact protein structure and function. To our knowledge, functional studies have not been reported for this variant. This variant has not been reported in individuals affected with RYR1-related disorders in the literature. This variant has been identified in 1/229332 chromosomes in the general population by the Genome Aggregation Database (gnomAD). The available evidence is insufficient to determine the role of this variant in disease conclusively. Therefore, this variant is classified as a Variant of Uncertain Significance.

All of Us Research Program, National Institutes of Health
Classification: Uncertain significance for Malignant hyperthermia, susceptibility to, 1. Last evaluated: 2024-02-05. Review status: criteria provided, single submitter. Criteria: ACMG Guidelines, 2015. Collection method: clinical testing. Allele origin: germline. Inheritance: Autosomal dominant inheritance. Observed: 4 variant alleles, 4 heterozygotes.
Comment: This missense variant replaces lysine with asparagine at codon 1394 of the RYR1 protein. Computational prediction suggests that this variant may not impact protein structure and function (internally defined REVEL score threshold <= 0.5, PMID: 27666373). To our knowledge, functional studies have not been reported for this variant. This variant has not been reported in individuals affected with RYR1-related disorders in the literature. This variant has been identified in 1/229332 chromosomes in the general population by the Genome Aggregation Database (gnomAD). The available evidence is insufficient to determine the role of this variant in disease conclusively. Therefore, this variant is classified as a Variant of Uncertain Significance.

This study involves interpretation of variants in research participants for the purpose of population health screening. Participant phenotype was not available at the time of variant classification. Additional details can be found in publication PMID: 35346344, PMCID: PMC8962531

Fulgent Genetics
Classification: Uncertain significance for Central core myopathy; Malignant hyperthermia, susceptibility to, 1; Congenital myopathy 4A, autosomal dominant; Congenital multicore myopathy with external ophthalmoplegia; King Denborough syndrome. Last evaluated: 2021-10-15. Review status: criteria provided, single submitter. Criteria: ACMG Guidelines, 2015. Collection method: clinical testing. Allele origin: unknown.

Illumina Laboratory Services, Illumina
Classification: Uncertain significance for Central core myopathy. Last evaluated: 2018-01-12. Review status: criteria provided, single submitter. Criteria: ICSL Variant Classification Criteria 13 December 2019. Collection method: clinical testing. Allele origin: germline.

Illumina Laboratory Services, Illumina
Classification: Uncertain significance for Malignant hyperthermia, susceptibility to, 1. Last evaluated: 2018-01-12. Review status: criteria provided, single submitter. Criteria: ICSL Variant Classification Criteria 13 December 2019. Collection method: clinical testing. Allele origin: germline.

Illumina Laboratory Services, Illumina
Classification: Uncertain significance for Congenital multicore myopathy with external ophthalmoplegia. Last evaluated: 2018-01-12. Review status: criteria provided, single submitter. Criteria: ICSL Variant Classification Criteria 13 December 2019. Collection method: clinical testing. Allele origin: germline.

NM_000540.3(RYR1):c.4182G>T (p.Lys1394Asn)

Gene: RYR1 (ryanodine receptor 1; plus strand). Cytogenetic location: 19q13.2.
Variant type: single nucleotide variant.
Coding change: c.4182G>T on transcript NM_000540.3 (MANE Select); coding-DNA position 4182, G replaced by T.
Protein change: p.Lys1394Asn; replaces lysine 1394 with asparagine.
Molecular consequence: missense variant.
Genome position (GRCh38, 1-based): chr19:38,475,339, G>T. VCF-style: chr19-38475339-G-T. GRCh37 (hg19) VCF-style: chr19-38965979-G-T.
Other names: c.4182G>T, p.Lys1394Asn (NM_001042723.2); short protein forms K1394N.
Identifiers: ClinVar variation 329019 (VCV000329019.9), dbSNP rs886054384, ClinGen allele CA10648629.
Genomic context (GRCh38, chr19:38,475,339, plus strand): 5'-GAAAGCTGGCTCTCATGGCGCCTCTCCTCCCACTACCAGCTTCTTATTCAAGGCCAAGAA[G>T]GTCGCCATGATGACCCAGCCACCGGCCACCCCCACGCTGCCCCGACTCCCTCACGACGTG-3'
Protein context (NP_000531.2, residues 1384-1404): KKRGFLFKAK[Lys1394Asn]VAMMTQPPAT